The following is an entry in ClinVar:

NM_032436.4(CHAMP1):c.1295G>A (p.Ser432Asn)

Gene: CHAMP1 (chromosome alignment maintaining phosphoprotein 1; plus strand). Cytogenetic location: 13q34.
Variant type: single nucleotide variant.
Coding change: c.1295G>A on transcript NM_032436.4 (MANE Select); coding-DNA position 1295, G replaced by A.
Protein change: p.Ser432Asn; replaces serine 432 with asparagine.
Molecular consequence: missense variant.
Genome position (GRCh38, 1-based): chr13:114,325,137, G>A. VCF-style: chr13-114325137-G-A. GRCh37 (hg19) VCF-style: chr13-115090612-G-A.
Other names: c.1295G>A, p.Ser432Asn (NM_001164144.3, NM_001164145.3); c.1295G>A (NM_001164145.2); short protein forms S432N.
Identifiers: ClinVar variation 2439940 (VCV002439940.4), dbSNP rs1594130825, ClinGen allele CA388848378.

ClinVar aggregate classification (germline): Uncertain significance. Review status: criteria provided, multiple submitters, no conflicts (2 of 4 stars). 2 submissions from 2 submitters: Uncertain significance (2). Last evaluated 2025-03-28.

Conditions:
Neurodevelopmental disorder with hypotonia, impaired language, and dysmorphic features. Also called: Intellectual disability, autosomal dominant 40. Identifiers: Orphanet 692193, MedGen C5676894, MONDO:0014699, OMIM 616579.
CHAMP1-related disorder. Also called: CHAMP1-related condition.

Allele frequency attached by ClinVar (database versions not stated): gnomAD 0.00001; gnomAD exomes 0.00001; TOPMed 0.00001.

Submissions (2):

PreventionGenetics, part of Exact Sciences
Classification: Uncertain significance for CHAMP1-related condition. Last evaluated: 2025-03-28. Review status: criteria provided, single submitter. Criteria: ACMG Guidelines, 2015. Collection method: clinical testing. Allele origin: germline.
Comment: The CHAMP1 c.1295G>A variant is predicted to result in the amino acid substitution p.Ser432Asn. To our knowledge, this variant has not been reported in the literature or in a large population database (gnomAD), indicating this variant is rare. At this time, the clinical significance of this variant is uncertain due to the absence of conclusive functional and genetic evidence.

Revvity Omics, Revvity
Classification: Uncertain significance for Neurodevelopmental disorder with hypotonia, impaired language, and dysmorphic features. Last evaluated: 2022-03-04. Review status: criteria provided, single submitter. Criteria: ACMG Guidelines, 2015. Collection method: clinical testing. Allele origin: germline.